The following is an entry in ClinVar:

NM_015506.3(MMACHC):c.90G>A (p.Trp30Ter)

Gene: MMACHC (metabolism of cobalamin associated C; plus strand). Cytogenetic location: 1p34.1.
Variant type: single nucleotide variant.
Coding change: c.90G>A on transcript NM_015506.3 (MANE Select); coding-DNA position 90, G replaced by A.
Protein change: p.Trp30Ter; replaces tryptophan 30 with a stop codon.
Molecular consequence: nonsense. On other transcripts: 5 prime UTR variant (1).
Genome position (GRCh38, 1-based): chr1:45,507,364, G>A. VCF-style: chr1-45507364-G-A. GRCh37 (hg19) VCF-style: chr1-45973036-G-A.
Other names: c.-82G>A (NM_001330540.2); short protein forms W30*.
Identifiers: ClinVar variation 555758 (VCV000555758.13), dbSNP rs771673343, ClinGen allele CA827640.
Genomic context (GRCh38, chr1:45,507,364, plus strand): 5'-GGCTGAGGCCTAGACTGGCCCTCTCCAGCCTGGCCTGAACTTTCTGTTTCAGGTGGCATG[G>A]TACAATGAACTCTTGCCTCCAGCCTTCCACCTACCGCTGCCAGGACCTACCCTGGCCTTC-3'

ClinVar aggregate classification (germline): Pathogenic/Likely pathogenic. Review status: criteria provided, multiple submitters, no conflicts (2 of 4 stars). 6 submissions from 6 submitters: Pathogenic (4); Likely pathogenic (1). 1 of the submissions does not count toward it. Last evaluated 2025-04-11.

Conditions:
Cobalamin C disease. Also called: Cobalamin-C methylmalonic acidemia and homocystinuria; Methylmalonic acidemia and homocystinuria cblC type; Methylmalonic aciduria and homocystinuria, Vitamin B12-responsive; Vitamin B12 metabolic defect with combined deficiency of methylmalonyl-CoA mutase and homocysteine:methyltetrahydrofolate methyltransferase; methylmalonic aciduria and homocystinuria type cblC; Methylmalonic aciduria with homocystinuria cblC type. Identifiers: Orphanet 26, Orphanet 79282, MedGen C1848561, MONDO:0010184, OMIM 277400.

Allele frequency attached by ClinVar (database versions not stated): gnomAD exomes below 0.00001; ExAC 0.00001; TOPMed 0.00001.
gnomAD v4.1: 16 of 1,614,102 alleles (0.00099%); highest among the groups gnomAD compares: Non-Finnish European, 0.0012%; no homozygotes.

Submissions (6):

Labcorp Genetics (formerly Invitae), Labcorp
Classification: Pathogenic for Cobalamin C disease. Last evaluated: 2025-04-11. Review status: criteria provided, single submitter. Criteria: Invitae Variant Classification Sherloc (09022015). Collection method: clinical testing. Allele origin: germline.
Comment: This sequence change creates a premature translational stop signal (p.Trp30*) in the MMACHC gene. It is expected to result in an absent or disrupted protein product. Loss-of-function variants in MMACHC are known to be pathogenic (PMID: 16311595). This variant is present in population databases (rs771673343, gnomAD 0.0009%). This premature translational stop signal has been observed in individual(s) with methylmalonic aciduria and homocystinuria (PMID: 19760748). ClinVar contains an entry for this variant (Variation ID: 555758). For these reasons, this variant has been classified as Pathogenic.

Natera, Inc.
Classification: Pathogenic for Methylmalonic aciduria and homocystinuria cblC type. Last evaluated: 2024-09-18. Review status: criteria provided, single submitter. Criteria: Natera Variant Classification Schema (03/2026). Collection method: clinical testing. Allele origin: germline.
Comment: The c.90G>A variant in MMACHC is a nonsense variant predicted to introduce a stop codon at amino acid 30. This variant is expected to result in nonsense mediated decay, truncation, or a dysfunctional protein product. This variant is rare in the general population with a frequency below the threshold expected for the associated phenotype(s). This variant has been observed in one or more individuals affected with the associated recessive disease, as either homozygous or compound heterozygous with a second variant (PMID: 19760748). Given the available evidence, this variant is classified as Pathogenic.

Baylor Genetics
Classification: Pathogenic for Cobalamin C disease. Last evaluated: 2023-11-15. Review status: criteria provided, single submitter. Criteria: ACMG Guidelines, 2015. Collection method: clinical testing. Allele origin: unknown.

Women's Health and Genetics/Laboratory Corporation of America, LabCorp
Classification: Pathogenic for Cobalamin C disease. Last evaluated: 2023-08-17. Review status: criteria provided, single submitter. Criteria: LabCorp Variant Classification Summary - May 2015. Collection method: clinical testing. Allele origin: germline.
Comment: Variant summary: MMACHC c.90G>A (p.Trp30X) results in a premature termination codon, predicted to cause a truncation of the encoded protein or absence of the protein due to nonsense mediated decay, which are commonly known mechanisms for disease. The variant allele was found at a frequency of 4e-06 in 249290 control chromosomes (gnomAD). c.90G>A has been reported in the literature in individuals affected with Methylmalonic Acidemia With Homocystinuria (Richard_2009). These data do not allow any conclusion about variant significance. To our knowledge, no experimental evidence demonstrating an impact on protein function has been reported. The following publication has been ascertained in the context of this evaluation (PMID: 19760748). Two ClinVar submitters have assessed this variant since 2014: one classified the variant as likely pathogenic and one as pathogenic. Based on the evidence outlined above, the variant was classified as pathogenic.

Genome-Nilou Lab
Classification: Likely pathogenic for Cobalamin C disease. Last evaluated: 2023-04-11. Review status: criteria provided, single submitter. Criteria: ACMG Guidelines, 2015. Collection method: clinical testing. Allele origin: germline. Affected: no.

Counsyl
Classification: Likely pathogenic for Cobalamin C disease. Last evaluated: 2017-12-28. Review status: no assertion criteria provided. Collection method: clinical testing. Allele origin: unknown. Not counted in ClinVar's aggregate classification.

Literature cited by the submitters: PubMed 16311595 (cited by Labcorp Genetics (formerly Invitae), Labcorp); PubMed 19760748 (cited by 4 submitters).